The following is an entry in ClinVar:

ClinVar aggregate classification (germline): Conflicting classifications of pathogenicity. Review status: criteria provided, conflicting classifications (1 of 4 stars). 4 submissions from 4 submitters: Uncertain significance (1); Likely benign (2). 1 of the submissions does not count toward it. Last evaluated 2026-01-15.

Conditions:
PCNT-related disorder. Also called: PCNT-related condition.
Microcephalic osteodysplastic primordial dwarfism type II (MOPD2). Also called: Microcephalic osteodysplastic primordial dwarfism with tooth abnormalities; MOPD II; OSTEODYSPLASTIC PRIMORDIAL DWARFISM, TYPE II. Identifiers: Orphanet 2637, MedGen C0432246, MONDO:0008872, OMIM 210720.

Allele frequency attached by ClinVar (database versions not stated): gnomAD 0.00001; ExAC 0.00002; TOPMed 0.00002; gnomAD exomes 0.00003.
gnomAD v4.1: 54 of 1,613,870 alleles (0.0033%); highest among the groups gnomAD compares: East Asian, 0.025%; no homozygotes.

Submissions (4):

Labcorp Genetics (formerly Invitae), Labcorp
Classification: Likely benign. Last evaluated: 2026-01-15. Review status: criteria provided, single submitter. Criteria: Invitae Variant Classification Sherloc (09022015). Collection method: clinical testing. Allele origin: germline.

Blueprint Genetics
Classification: Likely benign. Last evaluated: 2024-03-07. Review status: criteria provided, single submitter. Criteria: ACMG Guidelines, 2015. Collection method: clinical testing. Allele origin: germline.

Illumina Laboratory Services, Illumina
Classification: Uncertain significance for Microcephalic osteodysplastic primordial dwarfism type II. Last evaluated: 2018-01-13. Review status: criteria provided, single submitter. Criteria: ICSL Variant Classification Criteria 13 December 2019. Collection method: clinical testing. Allele origin: germline.

PreventionGenetics, part of Exact Sciences
Classification: Likely benign for PCNT-related condition. Last evaluated: 2019-07-09. Review status: no assertion criteria provided. Collection method: clinical testing. Allele origin: germline. Not counted in ClinVar's aggregate classification.
Comment: This variant is classified as likely benign based on ACMG/AMP sequence variant interpretation guidelines (Richards et al. 2015 PMID: 25741868, with internal and published modifications).

NM_006031.6(PCNT):c.1479G>A (p.Ala493=)

Gene: PCNT (pericentrin; plus strand). Cytogenetic location: 21q22.3.
Variant type: single nucleotide variant.
Coding change: c.1479G>A on transcript NM_006031.6 (MANE Select); coding-DNA position 1479, G replaced by A.
Protein change: p.Ala493=; no amino-acid change (alanine 493 retained).
Molecular consequence: synonymous variant.
Genome position (GRCh38, 1-based): chr21:46,353,126, G>A. VCF-style: chr21-46353126-G-A. GRCh37 (hg19) VCF-style: chr21-47773040-G-A.
Other names: c.1125G>A, p.Ala375= (NM_001315529.2).
Identifiers: ClinVar variation 340472 (VCV000340472.14), dbSNP rs199864153, ClinGen allele CA10078647.